The following is an entry in ClinVar:

ClinVar aggregate classification (germline): Pathogenic. Review status: criteria provided, multiple submitters, no conflicts (2 of 4 stars). 2 submissions from 2 submitters: Pathogenic (2). Last evaluated 2022-03-23.

Conditions:
Neurofibromatosis, type 1 (NF1). Also called: Peripheral type neurofibromatosis; VON RECKLINGHAUSEN DISEASE; NEUROFIBROMATOSIS, TYPE I, SOMATIC; Neurofibromatosis, type I. Identifiers: Orphanet 636, MedGen C0027831, MONDO:0018975, OMIM 162200. Disease mechanism: loss of function.

Submissions (2):

Labcorp Genetics (formerly Invitae), Labcorp
Classification: Pathogenic for Neurofibromatosis, type 1. Last evaluated: 2022-03-23. Review status: criteria provided, single submitter. Criteria: Invitae Variant Classification Sherloc (09022015). Collection method: clinical testing. Allele origin: germline.
Comment: For these reasons, this variant has been classified as Pathogenic. Algorithms developed to predict the effect of sequence changes on RNA splicing suggest that this variant may disrupt the consensus splice site. This premature translational stop signal has been observed in individual(s) with neurofibromatosis, type 1 (PMID: 15060124). This variant is not present in population databases (gnomAD no frequency). This sequence change creates a premature translational stop signal (p.Glu91*) in the NF1 gene. It is expected to result in an absent or disrupted protein product. Loss-of-function variants in NF1 are known to be pathogenic (PMID: 10712197, 23913538).

Juno Genomics, Hangzhou Juno Genomics, Inc
Classification: Pathogenic for Neurofibromatosis, type 1. Review status: criteria provided, single submitter. Criteria: ACMG Guidelines, 2015. Collection method: clinical testing. Allele origin: germline. Affected: yes.
Comment: Null variant in a gene where loss of function (LOF) is a known mechanism of disease.;Absent from controls (or at extremely low frequency if recessive) in Genome Aggregation Database, Exome Sequencing Project, 1000 Genomes Project, or Exome Aggregation Consortium.;Assumed de novo, but without confirmation of paternity and maternity.;Patient's phenotype or family history is highly specific for a disease with a single genetic etiology.

Literature cited by the submitters: PubMed 15060124 (cited by Labcorp Genetics (formerly Invitae), Labcorp); PubMed 10712197 (cited by Labcorp Genetics (formerly Invitae), Labcorp); PubMed 23913538 (cited by Labcorp Genetics (formerly Invitae), Labcorp).

NM_001042492.3(NF1):c.271G>T (p.Glu91Ter)

Gene: NF1 (neurofibromin 1; plus strand). Cytogenetic location: 17q11.2.
Variant type: single nucleotide variant.
Coding change: c.271G>T on transcript NM_001042492.3 (MANE Select); coding-DNA position 271, G replaced by T.
Protein change: p.Glu91Ter; replaces glutamic acid 91 with a stop codon.
Molecular consequence: nonsense.
Genome position (GRCh38, 1-based): chr17:31,159,076, G>T. VCF-style: chr17-31159076-G-T. GRCh37 (hg19) VCF-style: chr17-29486094-G-T.
Other names: c.271G>T, p.Glu91Ter (NM_000267.4, NM_001128147.3); short protein forms E91*.
Identifiers: ClinVar variation 2137948 (VCV002137948.6), dbSNP rs2143646461, ClinGen allele CA398989787.